The following is an entry in ClinVar:

ClinVar aggregate classification (germline): Uncertain significance. Review status: criteria provided, multiple submitters, no conflicts (2 of 4 stars). 5 submissions from 5 submitters: Uncertain significance (4). 1 of the submissions does not count toward it. Last evaluated 2026-01-12.

Conditions:
Inborn genetic diseases. Identifiers: MedGen C0950123, MeSH D030342.
Bardet-Biedl syndrome (BBS). Identifiers: Orphanet 110, MedGen C0752166, MONDO:0015229.
Bardet-Biedl syndrome 10 (BBS10). Identifiers: Orphanet 110, MedGen C1859568, MONDO:0014438, OMIM 615987.
BBS10-related disorder. Also called: BBS10-related condition.

Allele frequency attached by ClinVar (database versions not stated): gnomAD exomes 0.00001.

Submissions (5):

Labcorp Genetics (formerly Invitae), Labcorp
Classification: Uncertain significance for Bardet-Biedl syndrome. Last evaluated: 2026-01-12. Review status: criteria provided, single submitter. Criteria: Invitae Variant Classification Sherloc (09022015). Collection method: clinical testing. Allele origin: germline.
Comment: This sequence change replaces lysine, which is basic and polar, with arginine, which is basic and polar, at codon 619 of the BBS10 protein (p.Lys619Arg). This variant is not present in population databases (gnomAD no frequency). This variant has not been reported in the literature in individuals affected with BBS10-related conditions. ClinVar contains an entry for this variant (Variation ID: 990674). Invitae Evidence Modeling of protein sequence and biophysical properties (such as structural, functional, and spatial information, amino acid conservation, physicochemical variation, residue mobility, and thermodynamic stability) indicates that this missense variant is not expected to disrupt BBS10 protein function with a negative predictive value of 80%. In summary, the available evidence is currently insufficient to determine the role of this variant in disease. Therefore, it has been classified as a Variant of Uncertain Significance.

PreventionGenetics, part of Exact Sciences
Classification: Uncertain significance for BBS10-related condition. Last evaluated: 2025-04-10. Review status: criteria provided, single submitter. Criteria: ACMG Guidelines, 2015. Collection method: clinical testing. Allele origin: germline.
Comment: The BBS10 c.1856A>G variant is predicted to result in the amino acid substitution p.Lys619Arg. To our knowledge, this variant has not been reported in the literature or in a large population database (gnomAD), indicating this variant is rare. At this time, the clinical significance of this variant is uncertain due to the absence of conclusive functional and genetic evidence.

Ambry Genetics
Classification: Uncertain significance for Inborn genetic diseases. Last evaluated: 2024-04-16. Review status: criteria provided, single submitter. Criteria: Ambry Variant Classification Scheme 2023. Collection method: clinical testing. Allele origin: germline.

Fulgent Genetics
Classification: Uncertain significance for Bardet-Biedl syndrome 10. Last evaluated: 2021-07-01. Review status: criteria provided, single submitter. Criteria: ACMG Guidelines, 2015. Collection method: clinical testing. Allele origin: unknown.

Natera, Inc.
Classification: Uncertain significance for Bardet-Biedl syndrome type 10. Last evaluated: 2020-08-15. Review status: no assertion criteria provided. Collection method: clinical testing. Allele origin: germline. Not counted in ClinVar's aggregate classification.

NM_024685.4(BBS10):c.1856A>G (p.Lys619Arg)

Gene: BBS10 (Bardet-Biedl syndrome 10; minus strand). Cytogenetic location: 12q21.2.
Variant type: single nucleotide variant.
Coding change: c.1856A>G on transcript NM_024685.4 (MANE Select); coding-DNA position 1856, A replaced by G.
Protein change: p.Lys619Arg; replaces lysine 619 with arginine.
Molecular consequence: missense variant.
Genome position (GRCh38, 1-based): chr12:76,346,129, T>C on the plus strand (A>G on the coding strand, the complement: BBS10 is on the minus strand). VCF-style: chr12-76346129-T-C. GRCh37 (hg19) VCF-style: chr12-76739909-T-C.
Other names: c.1856A>G (NM_024685.3); short protein forms K619R.
Identifiers: ClinVar variation 990674 (VCV000990674.8), dbSNP rs1951755649, ClinGen allele CA385809504.